The following is an entry in ClinVar:

ClinVar aggregate classification (germline): Likely pathogenic (1 of 4 stars; one submission).

Conditions:
Acute infantile liver failure due to synthesis defect of mtDNA-encoded proteins. Also called: LIVER FAILURE, INFANTILE, TRANSIENT; Liver failure acute infantile; TRMU Deficiency. Identifiers: Orphanet 217371, MedGen C3278664, MONDO:0013111, OMIM 613070.

Submission:

Women's Health and Genetics/Laboratory Corporation of America, LabCorp
Classification: Likely pathogenic for Acute infantile liver failure due to synthesis defect of mtDNA-encoded proteins. Last evaluated: 2022-09-20. Review status: criteria provided, single submitter. Criteria: LabCorp Variant Classification Summary - May 2015. Collection method: clinical testing. Allele origin: germline.
Comment: Variant summary: NBAS c.4698_4741del44 (p.Ser1567AspfsX20) results in a premature termination codon, predicted to cause a truncation of the encoded protein or absence of the protein due to nonsense mediated decay, which are commonly known mechanisms for disease. The variant was absent in 251332 control chromosomes (gnomAD). To our knowledge, no occurrence of c.4698_4741del44 in individuals affected with Liver Failure Acute Infantile, Type 2 and no experimental evidence demonstrating its impact on protein function have been reported. No clinical diagnostic laboratories have submitted clinical-significance assessments for this variant to ClinVar after 2014. Based on the evidence outlined above, the variant was classified as likely pathogenic.

NM_015909.4(NBAS):c.4698_4741del (p.Ser1567fs)

Gene: NBAS (NBAS subunit of NRZ tethering complex; minus strand). Cytogenetic location: 2p24.3.
Variant type: Deletion.
Coding change: c.4698_4741del on transcript NM_015909.4 (MANE Select); coding-DNA positions 4698 to 4741, 44 bases deleted.
Protein change: p.Ser1567fs; shifts the reading frame from serine 1567.
Molecular consequence: frameshift variant. On other transcripts: non-coding transcript variant (1).
Genome position (GRCh38, 1-based): chr2:15,308,272-15,308,315, 44 bases deleted; deleting any 44 consecutive bases within chr2:15,308,272-15,308,317 gives the same sequence; the c. name uses the placement nearest the transcript's 3' end. GRCh37 (hg19): chr2:15,448,398-15,448,441.
Other names: short protein forms S1567fs.
Identifiers: ClinVar variation 1722435 (VCV001722435.1), dbSNP rs2528283195, ClinGen allele CA2580063612.
Genomic context (GRCh38, chr2:15,308,271, plus strand): 5'-CTCACCCTGTAAAGAGGATGGCACTTGTCCCTGAAACATGGGGCCAATCGGGCATAGATC[TGGAGGCTATAGTAATACGCTGCCAGCTGGAGAGATAATGCAGAG>T]GGGGACTGCTTTTCAAAGCACCGGTTAGCATCTAACACCTAGGAGGGAACATGTTAGAAT-3'